The following is an entry in ClinVar:

NM_001211.6(BUB1B):c.836C>A (p.Ala279Asp)

Gene: BUB1B (BUB1 mitotic checkpoint serine/threonine kinase B; plus strand). Cytogenetic location: 15q15.1.
Variant type: single nucleotide variant.
Coding change: c.836C>A on transcript NM_001211.6 (MANE Select); coding-DNA position 836, C replaced by A.
Protein change: p.Ala279Asp; replaces alanine 279 with aspartic acid.
Molecular consequence: missense variant.
Genome position (GRCh38, 1-based): chr15:40,185,249, C>A. VCF-style: chr15-40185249-C-A. GRCh37 (hg19) VCF-style: chr15-40477450-C-A.
Other names: short protein forms A279D.
Identifiers: ClinVar variation 3993723 (VCV003993723.1).
Genomic context (GRCh38, chr15:40,185,249, plus strand): 5'-AAAATCCATTTCCTCAACAGATGCAAAATAATAGTAGAATTACTGTTTTTGATGAAAATG[C>A]TGATGAGGCTTCTACAGCAGAGTTGTCTAAGCCTACAGTCCAGCCATGGATAGCACCCCC-3'
Protein context (NP_001202.5, residues 269-289): NSRITVFDEN[Ala279Asp]DEASTAELSK

ClinVar aggregate classification (germline): Uncertain significance (1 of 4 stars; one submission).

Conditions:
Inborn genetic diseases. Identifiers: MedGen C0950123, MeSH D030342.

Submission:

Ambry Genetics
Classification: Uncertain significance for Inborn genetic diseases. Last evaluated: 2025-05-15. Review status: criteria provided, single submitter. Criteria: Ambry Variant Classification Scheme 2023. Collection method: clinical testing. Allele origin: germline.
Comment: The p.A279D variant (also known as c.836C>A), located in coding exon 7 of the BUB1B gene, results from a C to A substitution at nucleotide position 836. The alanine at codon 279 is replaced by aspartic acid, an amino acid with dissimilar properties. This amino acid position is conserved. In addition, this alteration is predicted to be tolerated by in silico analysis. Based on the available evidence, the clinical significance of this variant remains unclear.